The following is an entry in ClinVar:

NM_177550.5(SLC13A5):c.1600A>G (p.Ile534Val)

Gene: SLC13A5 (solute carrier family 13 member 5; minus strand). Cytogenetic location: 17p13.1.
Variant type: single nucleotide variant.
Coding change: c.1600A>G on transcript NM_177550.5 (MANE Select); coding-DNA position 1600, A replaced by G.
Protein change: p.Ile534Val; replaces isoleucine 534 with valine.
Molecular consequence: missense variant.
Genome position (GRCh38, 1-based): chr17:6,686,314, T>C on the plus strand (A>G on the coding strand, the complement: SLC13A5 is on the minus strand). VCF-style: chr17-6686314-T-C. GRCh37 (hg19) VCF-style: chr17-6589633-T-C.
Other names: c.1600A>G (NM_177550.3); c.1462A>G, p.Ile488Val (NM_001143838.3); c.1549A>G, p.Ile517Val (NM_001284509.2); c.1471A>G, p.Ile491Val (NM_001284510.2); short protein forms I491V, I488V, I517V, I534V.
Identifiers: ClinVar variation 847300 (VCV000847300.8), dbSNP rs1973250507, ClinGen allele CA397737180.

ClinVar aggregate classification (germline): Uncertain significance. Review status: criteria provided, multiple submitters, no conflicts (2 of 4 stars). 2 submissions from 2 submitters: Uncertain significance (2). Last evaluated 2025-08-06.

Conditions:
Developmental and epileptic encephalopathy, 25 (DEE25). Also called: Epileptic encephalopathy, early infantile, 25; Developmental and epileptic encephalopathy 25, with amelogenesis imperfecta; Epileptic encephalopathy, early infantile, 25, with amelogenesis imperfecta. Identifiers: Orphanet 442835, MedGen C4014621, MONDO:0014392, OMIM 615905.
Inborn genetic diseases. Identifiers: MedGen C0950123, MeSH D030342.

Submissions (2):

Ambry Genetics
Classification: Uncertain significance for Inborn genetic diseases. Last evaluated: 2025-08-06. Review status: criteria provided, single submitter. Criteria: Ambry Variant Classification Scheme 2023. Collection method: clinical testing. Allele origin: germline.

Labcorp Genetics (formerly Invitae), Labcorp
Classification: Uncertain significance for Developmental and epileptic encephalopathy, 25. Last evaluated: 2023-11-27. Review status: criteria provided, single submitter. Criteria: Invitae Variant Classification Sherloc (09022015). Collection method: clinical testing. Allele origin: germline.
Comment: This sequence change replaces isoleucine, which is neutral and non-polar, with valine, which is neutral and non-polar, at codon 534 of the SLC13A5 protein (p.Ile534Val). This variant is not present in population databases (gnomAD no frequency). This variant has not been reported in the literature in individuals affected with SLC13A5-related conditions. ClinVar contains an entry for this variant (Variation ID: 847300). Advanced modeling of protein sequence and biophysical properties (such as structural, functional, and spatial information, amino acid conservation, physicochemical variation, residue mobility, and thermodynamic stability) performed at Invitae indicates that this missense variant is not expected to disrupt SLC13A5 protein function with a negative predictive value of 80%. In summary, the available evidence is currently insufficient to determine the role of this variant in disease. Therefore, it has been classified as a Variant of Uncertain Significance.